The following is an entry in ClinVar:

NM_052844.4(DYNC2I2):c.14C>G (p.Ala5Gly)

Gene: DYNC2I2 (dynein 2 intermediate chain 2; minus strand). Cytogenetic location: 9q34.11.
Variant type: single nucleotide variant.
Coding change: c.14C>G on transcript NM_052844.4 (MANE Select); coding-DNA position 14, C replaced by G.
Protein change: p.Ala5Gly; replaces alanine 5 with glycine.
Molecular consequence: missense variant.
Genome position (GRCh38, 1-based): chr9:128,656,713, G>C on the plus strand (C>G on the coding strand, the complement: DYNC2I2 is on the minus strand). VCF-style: chr9-128656713-G-C. GRCh37 (hg19) VCF-style: chr9-131418992-G-C.
Other names: c.14C>G (NM_052844.3); short protein forms A5G.
Identifiers: ClinVar variation 1681274 (VCV001681274.7), dbSNP rs544655044, ClinGen allele CA5266775.
Genomic context (GRCh38, chr9:128,656,713, plus strand): 5'-CCGACTGTCGCCAGCGCCGCAACACCAGCGCTTCCCGCCTGGCTGAGTGGCCCCGGCTGC[G>C]CGCGGGTTGCCATGGAGACGGTTCCGCCCTCTCGTGCGGACGCACTCAGGCGCGACCTCC-3'
Protein context (NP_443076.2, residues 1-15): MATR[Ala5Gly]QPGPLSQAGS

ClinVar aggregate classification (germline): Uncertain significance. Review status: criteria provided, multiple submitters, no conflicts (2 of 4 stars). 4 submissions from 4 submitters: Uncertain significance (3). 1 of the submissions does not count toward it. Last evaluated 2024-09-01.

Conditions:
Inborn genetic diseases. Identifiers: MedGen C0950123, MeSH D030342.
Retinal dystrophy. Also called: Inherited retinal dystrophy. Identifiers: Orphanet 71862, MedGen C0854723, MeSH D058499, MONDO:0019118, HP:0000556.
Short-rib thoracic dysplasia 11 with or without polydactyly (SRTD11). Also called: SHORT-RIB THORACIC DYSPLASIA 11 WITHOUT POLYDACTYLY. Identifiers: Orphanet 474, Orphanet 93271, MedGen C3810200, MONDO:0014287, OMIM 615633.

Allele frequency attached by ClinVar (database versions not stated): gnomAD exomes 0.00005; ExAC 0.00008; TOPMed 0.00012; gnomAD 0.00015; 1000 Genomes Project 30x 0.00016; 1000 Genomes Project 0.00020.
gnomAD v4.1: 158 of 1,429,172 alleles (0.011%); highest among the groups gnomAD compares: Non-Finnish European, 0.012%; no homozygotes.

Submissions (4):

Ambry Genetics
Classification: Uncertain significance for Inborn genetic diseases. Last evaluated: 2024-09-01. Review status: criteria provided, single submitter. Criteria: Ambry Variant Classification Scheme 2023. Collection method: clinical testing. Allele origin: germline.

GeneDx
Classification: Uncertain significance. Last evaluated: 2024-06-05. Review status: criteria provided, single submitter. Criteria: GeneDx Variant Classification Process June 2021. Collection method: clinical testing. Allele origin: germline. Affected: yes.
Comment: In silico analysis indicates that this missense variant does not alter protein structure/function; Has not been previously published as pathogenic or benign to our knowledge

Labcorp Genetics (formerly Invitae), Labcorp
Classification: Uncertain significance for Short-rib thoracic dysplasia 11 with or without polydactyly. Last evaluated: 2022-07-26. Review status: criteria provided, single submitter. Criteria: Invitae Variant Classification Sherloc (09022015). Collection method: clinical testing. Allele origin: germline.
Comment: This sequence change replaces alanine, which is neutral and non-polar, with glycine, which is neutral and non-polar, at codon 5 of the WDR34 protein (p.Ala5Gly). This variant is present in population databases (rs544655044, gnomAD 0.02%). This variant has not been reported in the literature in individuals affected with WDR34-related conditions. ClinVar contains an entry for this variant (Variation ID: 1681274). Algorithms developed to predict the effect of missense changes on protein structure and function are either unavailable or do not agree on the potential impact of this missense change (SIFT: "Deleterious"; PolyPhen-2: "Benign"; Align-GVGD: "Class C0"). In summary, the available evidence is currently insufficient to determine the role of this variant in disease. Therefore, it has been classified as a Variant of Uncertain Significance.

Institute of Human Genetics, Univ. Regensburg, Univ. Regensburg
Classification: Uncertain significance for Retinal dystrophy. Last evaluated: 2023-01-01. Review status: no assertion criteria provided. Criteria: ACMG Guidelines, 2015. Collection method: clinical testing. Allele origin: germline. Affected: yes. Not counted in ClinVar's aggregate classification.